The following is an entry in ClinVar:

NM_004172.5(SLC1A3):c.*694T>C

Genes: SLC1A3-AS1 (SLC1A3 antisense RNA 1; minus strand), SLC1A3 (solute carrier family 1 member 3; plus strand). Cytogenetic location: 5p13.2.
Variant type: single nucleotide variant.
Coding change: c.*694T>C on transcript NM_004172.5 (MANE Select); 694 bases downstream of the stop codon, T replaced by C.
Molecular consequence: 3 prime UTR variant.
Genome position (GRCh38, 1-based): chr5:36,686,963, T>C. VCF-style: chr5-36686963-T-C. GRCh37 (hg19) VCF-style: chr5-36687065-T-C.
Other names: c.*694T>C (NM_001166695.3, NM_001289939.2, NM_001289940.2).
Identifiers: ClinVar variation 353340 (VCV000353340.5), dbSNP rs186603216, ClinGen allele CA10624407.

ClinVar aggregate classification (germline): Benign (1 of 4 stars; one submission).

Conditions:
Episodic ataxia type 6. Identifiers: Orphanet 209967, MedGen C2675211, MONDO:0012982, OMIM 612656.

Allele frequency attached by ClinVar (database versions not stated): gnomAD exomes 0.00064; 1000 Genomes Project 0.00559; 1000 Genomes Project 30x 0.00671; gnomAD 0.00705 and 0.00747; TOPMed 0.00825.
gnomAD v4.1: 1,064 of 155,546 alleles (0.68%); highest among the groups gnomAD compares: African/African-American, 2.2%; 8 homozygotes.

Submission:

Illumina Laboratory Services, Illumina
Classification: Benign for Episodic ataxia type 6. Last evaluated: 2018-01-13. Review status: criteria provided, single submitter. Criteria: ICSL Variant Classification Criteria 13 December 2019. Collection method: clinical testing. Allele origin: germline.
Comment: This variant was observed in the ICSL laboratory as part of a predisposition screen in an ostensibly healthy population. It had not been previously curated by ICSL or reported in the Human Gene Mutation Database (HGMD: prior to June 1st, 2018), and was therefore a candidate for classification through an automated scoring system. Utilizing variant allele frequency, disease prevalence and penetrance estimates, and inheritance mode, an automated score was calculated to assess if this variant is too frequent to cause the disease. Based on the score and internal cut-off values, a variant classified as benign is not then subjected to further curation. The score for this variant resulted in a classification of benign for this disease.